The following is an entry in ClinVar:

NM_000540.3(RYR1):c.14587T>G (p.Phe4863Val)

Gene: RYR1 (ryanodine receptor 1; plus strand). Cytogenetic location: 19q13.2.
Variant type: single nucleotide variant.
Coding change: c.14587T>G on transcript NM_000540.3 (MANE Select); coding-DNA position 14587, T replaced by G.
Protein change: p.Phe4863Val; replaces phenylalanine 4863 with valine.
Molecular consequence: missense variant.
Genome position (GRCh38, 1-based): chr19:38,580,445, T>G. VCF-style: chr19-38580445-T-G. GRCh37 (hg19) VCF-style: chr19-39071085-T-G.
Other names: c.14572T>G, p.Phe4858Val (NM_001042723.2); short protein forms F4863V, F4858V.
Identifiers: ClinVar variation 1496680 (VCV001496680.8), dbSNP rs2145896745, ClinGen allele CA405687828.

ClinVar aggregate classification (germline): Uncertain significance (1 of 4 stars; one submission).

Conditions:
RYR1-related disorder. Also called: RYR1-related condition; RYR1-related disorders. Identifiers: MedGen CN239331.

Submission:

Labcorp Genetics (formerly Invitae), Labcorp
Classification: Uncertain significance for RYR1-related disorder. Last evaluated: 2020-12-23. Review status: criteria provided, single submitter. Criteria: Invitae Variant Classification Sherloc (09022015). Collection method: clinical testing. Allele origin: germline.
Comment: In summary, the available evidence is currently insufficient to determine the role of this variant in disease. Therefore, it has been classified as a Variant of Uncertain Significance. Algorithms developed to predict the effect of sequence changes on RNA splicing suggest that this variant may create or strengthen a splice site, but this prediction has not been confirmed by published transcriptional studies. Advanced modeling of protein sequence and biophysical properties (such as structural, functional, and spatial information, amino acid conservation, physicochemical variation, residue mobility, and thermodynamic stability) performed at Invitae indicates that this missense variant is expected to disrupt RYR1 protein function. This variant has not been reported in the literature in individuals with RYR1-related conditions. This variant is not present in population databases (ExAC no frequency). This sequence change replaces phenylalanine with valine at codon 4863 of the RYR1 protein (p.Phe4863Val). The phenylalanine residue is highly conserved and there is a small physicochemical difference between phenylalanine and valine.